The following is an entry in ClinVar:

NM_001370298.3(FGD4):c.1963G>A (p.Glu655Lys)

Gene: FGD4 (FYVE, RhoGEF and PH domain containing 4; plus strand). Cytogenetic location: 12p11.21.
Variant type: single nucleotide variant.
Coding change: c.1963G>A on transcript NM_001370298.3 (MANE Select); coding-DNA position 1963, G replaced by A.
Protein change: p.Glu655Lys; replaces glutamic acid 655 with lysine.
Molecular consequence: missense variant.
Genome position (GRCh38, 1-based): chr12:32,624,985, G>A. VCF-style: chr12-32624985-G-A. GRCh37 (hg19) VCF-style: chr12-32777919-G-A.
Other names: c.1807G>A, p.Glu603Lys (NM_001304481.2); c.808G>A, p.Glu270Lys (NM_001304483.2); c.520G>A, p.Glu174Lys (NM_001304484.2); c.1273G>A, p.Glu425Lys (NM_001330373.2, NM_001330374.2, NM_001384130.1); c.1000G>A, p.Glu334Lys (NM_001370297.1); c.1963G>A, p.Glu655Lys (NM_001384126.1); c.1552G>A, p.Glu518Lys (NM_001384127.1, NM_001384128.1, NM_001385118.1 and 1 more transcripts); short protein forms E270K, E425K, E518K, E603K, E655K, E334K, E174K.
Identifiers: ClinVar variation 1525888 (VCV001525888.8), dbSNP rs769604865, ClinGen allele CA6506954.
Genomic context (GRCh38, chr12:32,624,985, plus strand): 5'-GGTTTATATGAGAAACTTTAATGTGTGCTTTGAATTTTACTTATACTTTAGGCCCTTCAA[G>A]AAACCATCGATGCTTTTCATCAAAGGCATGAAACCTTCAGAAATGCAATTGCAAAGGATA-3'
Protein context (NP_001357227.2, residues 645-665): DKEEWIKALQ[Glu655Lys]TIDAFHQRHE

ClinVar aggregate classification (germline): Uncertain significance (1 of 4 stars; one submission).

Conditions:
Charcot-Marie-Tooth disease type 4. Also called: Charcot-Marie-Tooth disease, type IV; Charcot-Marie-Tooth, Type 4. Identifiers: Orphanet 64749, MedGen C4082197, MONDO:0018995.

Allele frequency attached by ClinVar (database versions not stated): gnomAD exomes below 0.00001; ExAC 0.00001; gnomAD 0.00001; TOPMed 0.00002.
gnomAD v4.1: 2 of 1,613,028 alleles (0.00012%); highest among the groups gnomAD compares: African/African-American, 0.0027%; no homozygotes.

Submission:

Labcorp Genetics (formerly Invitae), Labcorp
Classification: Uncertain significance for Charcot-Marie-Tooth disease type 4. Last evaluated: 2021-03-23. Review status: criteria provided, single submitter. Criteria: Invitae Variant Classification Sherloc (09022015). Collection method: clinical testing. Allele origin: germline.
Comment: This variant is present in population databases (rs769604865, ExAC 0.01%). This sequence change replaces glutamic acid with lysine at codon 518 of the FGD4 protein (p.Glu518Lys). The glutamic acid residue is highly conserved and there is a small physicochemical difference between glutamic acid and lysine. This variant has not been reported in the literature in individuals with FGD4-related conditions. In summary, the available evidence is currently insufficient to determine the role of this variant in disease. Therefore, it has been classified as a Variant of Uncertain Significance. Algorithms developed to predict the effect of missense changes on protein structure and function output the following: SIFT: "Deleterious"; PolyPhen-2: "Benign"; Align-GVGD: "Class C15". The lysine amino acid residue is found in multiple mammalian species, suggesting that this missense change does not adversely affect protein function. These predictions have not been confirmed by published functional studies and their clinical significance is uncertain.